The following is an entry in ClinVar:

NM_004519.4(KCNQ3):c.2257C>A (p.Leu753Ile)

Gene: KCNQ3 (potassium voltage-gated channel subfamily Q member 3; minus strand). Cytogenetic location: 8q24.22.
Variant type: single nucleotide variant.
Coding change: c.2257C>A on transcript NM_004519.4 (MANE Select); coding-DNA position 2257, C replaced by A.
Protein change: p.Leu753Ile; replaces leucine 753 with isoleucine.
Molecular consequence: missense variant.
Genome position (GRCh38, 1-based): chr8:132,129,624, G>T on the plus strand (C>A on the coding strand, the complement: KCNQ3 is on the minus strand). VCF-style: chr8-132129624-G-T. GRCh37 (hg19) VCF-style: chr8-133141871-G-T.
Other names: c.1897C>A, p.Leu633Ile (NM_001204824.2); short protein forms L633I, L753I.
Identifiers: ClinVar variation 2662784 (VCV002662784.1), dbSNP rs2536857716, ClinGen allele CA372216289.

ClinVar aggregate classification (germline): Uncertain significance (1 of 4 stars; one submission).

Submission:

GeneDx
Classification: Uncertain significance. Last evaluated: 2023-04-10. Review status: criteria provided, single submitter. Criteria: GeneDx Variant Classification Process June 2021. Collection method: clinical testing. Allele origin: germline. Affected: yes.
Comment: Not observed at significant frequency in large population cohorts (gnomAD); In silico analysis supports that this missense variant does not alter protein structure/function; Has not been previously published as pathogenic or benign to our knowledge